The following is an entry in ClinVar:

NM_006231.4(POLE):c.5171C>G (p.Thr1724Arg)

Gene: POLE (DNA polymerase epsilon, catalytic subunit; minus strand). Cytogenetic location: 12q24.33.
Variant type: single nucleotide variant.
Coding change: c.5171C>G on transcript NM_006231.4 (MANE Select); coding-DNA position 5171, C replaced by G.
Protein change: p.Thr1724Arg; replaces threonine 1724 with arginine.
Molecular consequence: missense variant.
Genome position (GRCh38, 1-based): chr12:132,642,179, G>C on the plus strand (C>G on the coding strand, the complement: POLE is on the minus strand). VCF-style: chr12-132642179-G-C. GRCh37 (hg19) VCF-style: chr12-133218765-G-C.
Other names: short protein forms T1724R.
Identifiers: ClinVar variation 1720632 (VCV001720632.5), dbSNP rs2138528849, ClinGen allele CA387376609.

ClinVar aggregate classification (germline): Uncertain significance (1 of 4 stars; one submission).

Submission:

Labcorp Genetics (formerly Invitae), Labcorp
Classification: Uncertain significance. Last evaluated: 2022-07-20. Review status: criteria provided, single submitter. Criteria: Invitae Variant Classification Sherloc (09022015). Collection method: clinical testing. Allele origin: germline.
Comment: In summary, the available evidence is currently insufficient to determine the role of this variant in disease. Therefore, it has been classified as a Variant of Uncertain Significance. Algorithms developed to predict the effect of missense changes on protein structure and function are either unavailable or do not agree on the potential impact of this missense change (SIFT: "Deleterious"; PolyPhen-2: "Probably Damaging"; Align-GVGD: "Class C0"). This variant has not been reported in the literature in individuals affected with POLE-related conditions. This variant is not present in population databases (gnomAD no frequency). This sequence change replaces threonine, which is neutral and polar, with arginine, which is basic and polar, at codon 1724 of the POLE protein (p.Thr1724Arg).